The following is an entry in ClinVar:

NC_000002.11:g.(?_234224701)_(234224801_?)dup

Gene: SAG (S-antigen visual arrestin; plus strand). Cytogenetic location: 2q37.1.
Variant type: Duplication.
Identifiers: ClinVar variation 1066818 (VCV001066818.3).

ClinVar aggregate classification (germline): Pathogenic (1 of 4 stars; one submission).

Submission:

Labcorp Genetics (formerly Invitae), Labcorp
Classification: Pathogenic. Last evaluated: 2023-12-18. Review status: criteria provided, single submitter. Criteria: Invitae Variant Classification Sherloc (09022015). Collection method: clinical testing. Allele origin: germline.
Comment: This variant results in a copy number gain of the genomic region encompassing exon(s) 3 of the SAG gene. While the exact position of this variant cannot be determined from the data, sub-genic copy number gains are generally in tandem (PMID: 25640679). This variant is predicted to be out-of-frame, and may result in an absent or disrupted protein product. Loss-of-function variants in SAG are known to be pathogenic for autosomal recessive disease (PMID: 9452120, 15234147, 22665972). However, the current clinical and genetic evidence is not sufficient to establish whether loss-of-function variants in SAG cause autosomal dominant disease. A similar copy number variant has been observed in individuals with autosomal dominant retinitis pigmentosa (Invitae). For these reasons, this variant has been classified as Pathogenic.

Literature cited by the submitters: PubMed 25640679; PubMed 9452120; PubMed 15234147; PubMed 22665972.